The following is an entry in ClinVar:

ClinVar aggregate classification (germline): Uncertain significance (1 of 4 stars; one submission).

Allele frequency attached by ClinVar (database versions not stated): gnomAD exomes 0.00001 and 0.00010; gnomAD 0.00002 and 0.00003; TOPMed 0.00005; ExAC 0.00007; 1000 Genomes Project 30x 0.00016; 1000 Genomes Project 0.00020.
gnomAD v4.1: 26 of 1,613,962 alleles (0.0016%); highest among the groups gnomAD compares: East Asian, 0.045%; no homozygotes.

Submission:

Labcorp Genetics (formerly Invitae), Labcorp
Classification: Uncertain significance. Last evaluated: 2025-01-23. Review status: criteria provided, single submitter. Criteria: Invitae Variant Classification Sherloc (09022015). Collection method: clinical testing. Allele origin: germline.
Comment: This sequence change replaces alanine, which is neutral and non-polar, with threonine, which is neutral and polar, at codon 226 of the PLK4 protein (p.Ala226Thr). This variant is present in population databases (rs35448573, gnomAD 0.1%). This variant has not been reported in the literature in individuals affected with PLK4-related conditions. ClinVar contains an entry for this variant (Variation ID: 840894). An algorithm developed to predict the effect of missense changes on protein structure and function (PolyPhen-2) suggests that this variant is likely to be disruptive. In summary, the available evidence is currently insufficient to determine the role of this variant in disease. Therefore, it has been classified as a Variant of Uncertain Significance.

NM_014264.5(PLK4):c.676G>A (p.Ala226Thr)

Gene: PLK4 (polo like kinase 4; plus strand). Cytogenetic location: 4q28.1.
Variant type: single nucleotide variant.
Coding change: c.676G>A on transcript NM_014264.5 (MANE Select); coding-DNA position 676, G replaced by A.
Protein change: p.Ala226Thr; replaces alanine 226 with threonine.
Molecular consequence: missense variant.
Genome position (GRCh38, 1-based): chr4:127,886,046, G>A. VCF-style: chr4-127886046-G-A. GRCh37 (hg19) VCF-style: chr4-128807201-G-A.
Other names: c.580G>A, p.Ala194Thr (NM_001190799.2); c.553G>A, p.Ala185Thr (NM_001190801.2); short protein forms A185T, A194T, A226T.
Identifiers: ClinVar variation 840894 (VCV000840894.6), dbSNP rs35448573, ClinGen allele CA3076613.